The following is an entry in ClinVar:

NM_002317.7(LOX):c.150C>G (p.Asn50Lys)

Genes: LOX (lysyl oxidase; minus strand), SRFBP1 (serum response factor binding protein 1; plus strand). Cytogenetic location: 5q23.1.
Variant type: single nucleotide variant.
Coding change: c.150C>G on transcript NM_002317.7 (MANE Select); coding-DNA position 150, C replaced by G.
Protein change: p.Asn50Lys; replaces asparagine 50 with lysine.
Molecular consequence: missense variant.
Genome position (GRCh38, 1-based): chr5:122,077,836, G>C on the plus strand (C>G on the coding strand, the complement: LOX is on the minus strand). VCF-style: chr5-122077836-G-C. GRCh37 (hg19) VCF-style: chr5-121413531-G-C.
Other names: short protein forms N50K.
Identifiers: ClinVar variation 1305125 (VCV001305125.2), dbSNP rs1303506475, ClinGen allele CA360877949.
Genomic context (GRCh38, chr5:122,077,836, plus strand): 5'-CCGGCGGCGCTGAGGCTGGTACTGTGAGCCCAGGCTCAGCAAGCTGAACACCTGCCCGTT[G>C]TTCTCCCATTGGATCTGCTGGCGCCAGGCGCCCGGAGCCGCCGGCGGCTCGCGCGGGGGC-3'
Protein context (NP_002308.2, residues 40-60): GAWRQQIQWE[Asn50Lys]NGQVFSLLSL

ClinVar aggregate classification (germline): Uncertain significance (1 of 4 stars; one submission).

Allele frequency attached by ClinVar (database versions not stated): gnomAD 0.00001.
gnomAD v4.1: 1 of 1,552,954 alleles (0.000064%); highest among the groups gnomAD compares: Non-Finnish European, 0.000087%; no homozygotes.

Submission:

GeneDx
Classification: Uncertain significance. Last evaluated: 2019-04-12. Review status: criteria provided, single submitter. Criteria: GeneDx Variant Classification Process June 2021. Collection method: clinical testing. Allele origin: germline. Affected: yes.
Comment: Not observed at a significant frequency in large population cohorts (Lek et al., 2016); In silico analysis, which includes protein predictors and evolutionary conservation, supports a deleterious effect; Has not been previously published as pathogenic or benign to our knowledge